The following is an entry in ClinVar:

ClinVar aggregate classification (germline): Benign/Likely benign. Review status: criteria provided, multiple submitters, no conflicts (2 of 4 stars). 4 submissions from 4 submitters: Benign (1); Likely benign (3). Last evaluated 2025-12-23.

Conditions:
Familial cancer of breast. Also called: BREAST CANCER, FAMILIAL; hereditary breast carcinoma; Hereditary breast cancer. Identifiers: Orphanet 227535, MedGen C0346153, MONDO:0016419, OMIM 114480. Disease mechanism: loss of function.
Hereditary cancer-predisposing syndrome. Also called: Hereditary Cancer Syndrome; Hereditary neoplastic syndrome; Neoplastic Syndromes, Hereditary; Tumor predisposition. Identifiers: Orphanet 140162, MedGen C0027672, MeSH D009386, MONDO:0015356.
Fanconi anemia complementation group J. Also called: BRIP1-Related Fanconi Anemia. Identifiers: Orphanet 84, MedGen C1836860, MONDO:0012187, OMIM 609054.

Allele frequency attached by ClinVar (database versions not stated): gnomAD exomes below 0.00001; gnomAD 0.00001.
gnomAD v4.1: 2 of 1,613,984 alleles (0.00012%); highest among the groups gnomAD compares: Non-Finnish European, 0.00017%; no homozygotes.

Submissions (4):

Labcorp Genetics (formerly Invitae), Labcorp
Classification: Likely benign for Familial cancer of breast; Fanconi anemia complementation group J. Last evaluated: 2025-12-23. Review status: criteria provided, single submitter. Criteria: Invitae Variant Classification Sherloc (09022015). Collection method: clinical testing. Allele origin: germline.

Myriad Genetics, Inc.
Classification: Benign for Familial cancer of breast. Last evaluated: 2024-09-05. Review status: criteria provided, single submitter. Criteria: Myriad Autosomal Dominant, Autosomal Recessive and X-Linked Classification Criteria (2023). Collection method: clinical testing. Allele origin: unknown.
Comment: This variant is considered benign. This variant is a silent/synonymous amino acid change and it is not expected to impact splicing.

Color Diagnostics, LLC DBA Color Health
Classification: Likely benign for Hereditary cancer-predisposing syndrome. Last evaluated: 2021-03-16. Review status: criteria provided, single submitter. Criteria: ACMG Guidelines, 2015. Collection method: clinical testing. Allele origin: germline.

Ambry Genetics
Classification: Likely benign for Hereditary cancer-predisposing syndrome. Last evaluated: 2020-01-16. Review status: criteria provided, single submitter. Criteria: Ambry Variant Classification Scheme 2023. Collection method: clinical testing. Allele origin: germline.

NM_032043.3(BRIP1):c.2628T>C (p.Ser876=)

Gene: BRIP1 (BRCA1 interacting DNA helicase 1; minus strand). Cytogenetic location: 17q23.2.
Variant type: single nucleotide variant.
Coding change: c.2628T>C on transcript NM_032043.3 (MANE Select); coding-DNA position 2628, T replaced by C.
Protein change: p.Ser876=; no amino-acid change (serine 876 retained).
Molecular consequence: synonymous variant.
Genome position (GRCh38, 1-based): chr17:61,686,113, A>G on the plus strand (T>C on the coding strand, the complement: BRIP1 is on the minus strand). VCF-style: chr17-61686113-A-G. GRCh37 (hg19) VCF-style: chr17-59763474-A-G.
Identifiers: ClinVar variation 1332631 (VCV001332631.14), dbSNP rs1032574757, ClinGen allele CA501143751.